The following is an entry in ClinVar:

ClinVar aggregate classification (germline): Uncertain significance (1 of 4 stars; one submission).

Submission:

Ambry Genetics
Classification: Uncertain significance. Last evaluated: 2023-03-15. Review status: criteria provided, single submitter. Criteria: Ambry Variant Classification Scheme 2023. Collection method: clinical testing. Allele origin: germline.
Comment: The p.H262P variant (also known as c.785A>C), located in coding exon 1 of the PALLD gene, results from an A to C substitution at nucleotide position 785. The histidine at codon 262 is replaced by proline, an amino acid with similar properties. This amino acid position is conserved. In addition, this alteration is predicted to be tolerated by in silico analysis. Since supporting evidence is limited at this time, the clinical significance of this alteration remains unclear.

NM_001166108.2(PALLD):c.785A>C (p.His262Pro)

Gene: PALLD (palladin, cytoskeletal associated protein; plus strand). Cytogenetic location: 4q32.3.
Variant type: single nucleotide variant.
Coding change: c.785A>C on transcript NM_001166108.2 (MANE Select); coding-DNA position 785, A replaced by C.
Protein change: p.His262Pro; replaces histidine 262 with proline.
Molecular consequence: missense variant.
Genome position (GRCh38, 1-based): chr4:168,512,289, A>C. VCF-style: chr4-168512289-A-C. GRCh37 (hg19) VCF-style: chr4-169433440-A-C.
Other names: c.785A>C, p.His262Pro (NM_016081.4); short protein forms H262P.
Identifiers: ClinVar variation 2563377 (VCV002563377.2), dbSNP rs2531436843, ClinGen allele CA358728353.